The following is an entry in ClinVar:

ClinVar aggregate classification (germline): Uncertain significance (1 of 4 stars; one submission).

Submission:

GeneDx
Classification: Uncertain significance. Last evaluated: 2024-12-17. Review status: criteria provided, single submitter. Criteria: GeneDx Variant Classification Process June 2021. Collection method: clinical testing. Allele origin: germline. Affected: yes.
Comment: Not observed at significant frequency in large population cohorts (gnomAD); In silico analysis supports that this missense variant has a deleterious effect on protein structure/function; Has not been previously published as pathogenic or benign to our knowledge

NM_172362.3(KCNH1):c.620C>A (p.Pro207His)

Gene: KCNH1 (potassium voltage-gated channel subfamily H member 1; minus strand). Cytogenetic location: 1q32.2.
Variant type: single nucleotide variant.
Coding change: c.620C>A on transcript NM_172362.3 (MANE Select); coding-DNA position 620, C replaced by A.
Protein change: p.Pro207His; replaces proline 207 with histidine.
Molecular consequence: missense variant.
Genome position (GRCh38, 1-based): chr1:211,019,195, G>T on the plus strand (C>A on the coding strand, the complement: KCNH1 is on the minus strand). VCF-style: chr1-211019195-G-T. GRCh37 (hg19) VCF-style: chr1-211192537-G-T.
Other names: c.620C>A, p.Pro207His (NM_002238.4); short protein forms P207H.
Identifiers: ClinVar variation 3906487 (VCV003906487.1).